The following is an entry in ClinVar:

NM_000257.4(MYH7):c.1300A>G (p.Arg434Gly)

Gene: MYH7 (myosin heavy chain 7; minus strand). Cytogenetic location: 14q11.2.
Variant type: single nucleotide variant.
Coding change: c.1300A>G on transcript NM_000257.4 (MANE Select); coding-DNA position 1300, A replaced by G.
Protein change: p.Arg434Gly; replaces arginine 434 with glycine.
Molecular consequence: missense variant.
Genome position (GRCh38, 1-based): chr14:23,429,062, T>C on the plus strand (A>G on the coding strand, the complement: MYH7 is on the minus strand). VCF-style: chr14-23429062-T-C. GRCh37 (hg19) VCF-style: chr14-23898271-T-C.
Other names: c.1300A>G, p.Arg434Gly (NM_001407004.1); short protein forms R434G.
Identifiers: ClinVar variation 3338729 (VCV003338729.1).

ClinVar aggregate classification (germline): Uncertain significance (1 of 4 stars; one submission).

Submission:

GeneDx
Classification: Uncertain significance. Last evaluated: 2023-05-23. Review status: criteria provided, single submitter. Criteria: GeneDx Variant Classification Process June 2021. Collection method: clinical testing. Allele origin: germline. Affected: yes.
Comment: Has not been previously published as pathogenic or benign to our knowledge; Not observed at significant frequency in large population cohorts (gnomAD); In silico analysis supports that this missense variant has a deleterious effect on protein structure/function; This variant is associated with the following publications: (PMID: 27532257, 29300372)